The following is an entry in ClinVar:

ClinVar aggregate classification (germline): Likely pathogenic (1 of 4 stars; one submission).

Conditions:
Hypertrophic cardiomyopathy. Also called: HYPERTROPHIC MYOCARDIOPATHY. Identifiers: Orphanet 217569, MedGen C0007194, MeSH D002312, MONDO:0005045, HP:0001639.

Submission:

Laboratory for Molecular Medicine, Mass General Brigham Personalized Medicine
Classification: Likely pathogenic for Hypertrophic cardiomyopathy. Last evaluated: 2015-05-14. Review status: criteria provided, single submitter. Criteria: LMM Criteria. Collection method: clinical testing. Allele origin: germline. Observed: 3 variant alleles.
Comment: I t was absent from large population studies. Leucine (Leu) at position 144 is hig hly conserved in mammals and across evolutionarily distant species and the chang e to proline (Pro) was predicted to be pathogenic using a computational tool cli nically validated by our laboratory. This tool's pathogenic prediction is estima ted to be correct 94% of the time (Jordan 2011). In summary, although additional studies are required to fully establish its clinical significance, the p.Leu144 Pro variant is likely pathogenic.

NM_000363.5(TNNI3):c.431T>C (p.Leu144Pro)

Gene: TNNI3 (troponin I3, cardiac type; minus strand). Cytogenetic location: 19q13.42.
Variant type: single nucleotide variant.
Coding change: c.431T>C on transcript NM_000363.5 (MANE Select); coding-DNA position 431, T replaced by C.
Protein change: p.Leu144Pro; replaces leucine 144 with proline.
Molecular consequence: missense variant.
Genome position (GRCh38, 1-based): chr19:55,154,148, A>G on the plus strand (T>C on the coding strand, the complement: TNNI3 is on the minus strand). VCF-style: chr19-55154148-A-G. GRCh37 (hg19) VCF-style: chr19-55665516-A-G.
Other names: short protein forms L144P.
Identifiers: ClinVar variation 43383 (VCV000043383.5), dbSNP rs121917760, ClinGen allele CA021654.